The following is an entry in ClinVar:

NM_173500.3(TTBK2):c.-413G>C

Gene: TTBK2 (tau tubulin kinase 2; minus strand). Cytogenetic location: 15q15.2.
Variant type: single nucleotide variant.
Coding change: c.-413G>C on transcript NM_173500.3; 413 bases upstream of the start codon, G replaced by C.
Genome position (GRCh38, 1-based): chr15:42,920,783, C>G on the plus strand (G>C on the coding strand, the complement: TTBK2 is on the minus strand). VCF-style: chr15-42920783-C-G. GRCh37 (hg19) VCF-style: chr15-43212981-C-G.
Identifiers: ClinVar variation 316005 (VCV000316005.7), dbSNP rs528520159, ClinGen allele CA10641864.
Genomic context (GRCh38, chr15:42,920,783, plus strand): 5'-TGCCGCCGCCGCCGCCTCGTCCCCACCGCTCCCATCGCCGCTGCGGCGACTACTGCAGAG[C>G]CCGCTGACCCGACCCGACGTTATTCTCCCCCCTCGTAACCCGACACAGCCTAGCCCACCT-3'

ClinVar aggregate classification (germline): Benign (1 of 4 stars; one submission).

Conditions:
Spinocerebellar ataxia type 11 (SCA11). Identifiers: Orphanet 98767, MedGen C1858351, MONDO:0011464, OMIM 604432.

Allele frequency attached by ClinVar (database versions not stated): 1000 Genomes Project 30x 0.00078; gnomAD 0.00096 and 0.00088; 1000 Genomes Project 0.00040; TOPMed 0.00118.

Submission:

Illumina Laboratory Services, Illumina
Classification: Benign for Spinocerebellar ataxia type 11. Last evaluated: 2018-01-12. Review status: criteria provided, single submitter. Criteria: ICSL Variant Classification Criteria 13 December 2019. Collection method: clinical testing. Allele origin: germline.
Comment: This variant was observed in the ICSL laboratory as part of a predisposition screen in an ostensibly healthy population. It had not been previously curated by ICSL or reported in the Human Gene Mutation Database (HGMD: prior to June 1st, 2018), and was therefore a candidate for classification through an automated scoring system. Utilizing variant allele frequency, disease prevalence and penetrance estimates, and inheritance mode, an automated score was calculated to assess if this variant is too frequent to cause the disease. Based on the score and internal cut-off values, a variant classified as benign is not then subjected to further curation. The score for this variant resulted in a classification of benign for this disease.